The following is an entry in ClinVar:

ClinVar aggregate classification (germline): Uncertain significance (1 of 4 stars; one submission).

Allele frequency attached by ClinVar (database versions not stated): TOPMed 0.00003; ExAC 0.00005; gnomAD 0.00006; gnomAD exomes 0.00006; ESP Exome Variant Server 0.00008.
gnomAD v4.1: 101 of 1,613,800 alleles (0.0063%); highest among the groups gnomAD compares: Non-Finnish European, 0.0081%; no homozygotes.

Submission:

Labcorp Genetics (formerly Invitae), Labcorp
Classification: Uncertain significance. Last evaluated: 2022-09-07. Review status: criteria provided, single submitter. Criteria: Invitae Variant Classification Sherloc (09022015). Collection method: clinical testing. Allele origin: germline.
Comment: This sequence change replaces asparagine, which is neutral and polar, with serine, which is neutral and polar, at codon 93 of the NDUFS4 protein (p.Asn93Ser). This variant is present in population databases (rs147734327, gnomAD 0.01%). This variant has not been reported in the literature in individuals affected with NDUFS4-related conditions. Algorithms developed to predict the effect of missense changes on protein structure and function are either unavailable or do not agree on the potential impact of this missense change (SIFT: "Not Available"; PolyPhen-2: "Possibly Damaging"; Align-GVGD: "Not Available"). In summary, the available evidence is currently insufficient to determine the role of this variant in disease. Therefore, it has been classified as a Variant of Uncertain Significance.

NM_002495.4(NDUFS4):c.278A>G (p.Asn93Ser)

Gene: NDUFS4 (NADH:ubiquinone oxidoreductase subunit S4; plus strand). Cytogenetic location: 5q11.2.
Variant type: single nucleotide variant.
Coding change: c.278A>G on transcript NM_002495.4 (MANE Select); coding-DNA position 278, A replaced by G.
Protein change: p.Asn93Ser; replaces asparagine 93 with serine.
Molecular consequence: missense variant. On other transcripts: non-coding transcript variant (3).
Genome position (GRCh38, 1-based): chr5:53,646,333, A>G. VCF-style: chr5-53646333-A-G. GRCh37 (hg19) VCF-style: chr5-52942163-A-G.
Other names: c.278A>G, p.Asn93Ser (NM_001318051.2); short protein forms N93S.
Identifiers: ClinVar variation 1981931 (VCV001981931.1), dbSNP rs147734327, ClinGen allele CA3264257.
Genomic context (GRCh38, chr5:53,646,333, plus strand): 5'-AAACTAGAAAAGTCAGGATCTTTGTTCCTGCTCGCAATAACATGCAGTCTGGAGTAAACA[A>G]CACAAAGAAATGGAAGATGGAGTTTGATACCAGAGAGCGATGGGAAAATCCTTTGATGGG-3'
Protein context (NP_002486.1, residues 83-103): ARNNMQSGVN[Asn93Ser]TKKWKMEFDT